The following is an entry in ClinVar:

NM_015629.4(PRPF31):c.971T>A (p.Ile324Asn)

Gene: PRPF31 (pre-mRNA processing factor 31; plus strand). Cytogenetic location: 19q13.42.
Variant type: single nucleotide variant.
Coding change: c.971T>A on transcript NM_015629.4 (MANE Select); coding-DNA position 971, T replaced by A.
Protein change: p.Ile324Asn; replaces isoleucine 324 with asparagine.
Molecular consequence: missense variant.
Genome position (GRCh38, 1-based): chr19:54,128,098, T>A. VCF-style: chr19-54128098-T-A. GRCh37 (hg19) VCF-style: chr19-54631473-T-A.
Other names: short protein forms I324N.
Identifiers: ClinVar variation 1466995 (VCV001466995.6), dbSNP rs2146443864, ClinGen allele CA407752936.

ClinVar aggregate classification (germline): Uncertain significance (1 of 4 stars; one submission).

Submission:

Labcorp Genetics (formerly Invitae), Labcorp
Classification: Uncertain significance. Last evaluated: 2023-09-19. Review status: criteria provided, single submitter. Criteria: Invitae Variant Classification Sherloc (09022015). Collection method: clinical testing. Allele origin: germline.
Comment: An algorithm developed to predict the effect of missense changes on protein structure and function (PolyPhen-2) suggests that this variant is likely to be disruptive. ClinVar contains an entry for this variant (Variation ID: 1466995). This missense change has been observed in individual(s) with retinitis pigmentosa (Invitae). This variant is not present in population databases (gnomAD no frequency). This sequence change replaces isoleucine, which is neutral and non-polar, with asparagine, which is neutral and polar, at codon 324 of the PRPF31 protein (p.Ile324Asn). In summary, the available evidence is currently insufficient to determine the role of this variant in disease. Therefore, it has been classified as a Variant of Uncertain Significance.